The following is an entry in ClinVar:

NM_013280.5(FLRT1):c.64G>A (p.Val22Ile)

Genes: FLRT1 (fibronectin leucine rich transmembrane protein 1; plus strand), MACROD1 (mono-ADP ribosylhydrolase 1; minus strand). Cytogenetic location: 11q13.1.
Variant type: single nucleotide variant.
Coding change: c.64G>A on transcript NM_013280.5 (MANE Select); coding-DNA position 64, G replaced by A.
Protein change: p.Val22Ile; replaces valine 22 with isoleucine.
Molecular consequence: missense variant. On other transcripts: 5 prime UTR variant (1), intron variant (2).
Genome position (GRCh38, 1-based): chr11:64,116,331, G>A. VCF-style: chr11-64116331-G-A. GRCh37 (hg19) VCF-style: chr11-63883803-G-A.
Other names: c.64G>A, p.Val22Ile (NM_001384466.1); c.-21G>A (NM_001423967.1); c.517+34908C>T (NM_001411019.1, NM_014067.4); short protein forms V22I.
Identifiers: ClinVar variation 530943 (VCV000530943.53), dbSNP rs143337663, ClinGen allele CA6067405.

ClinVar aggregate classification (germline): Conflicting classifications of pathogenicity. Review status: criteria provided, conflicting classifications (1 of 4 stars). 3 submissions from 3 submitters: Uncertain significance (1); Likely benign (1). 1 of the submissions does not count toward it. Last evaluated 2022-08-16.

Conditions:
Peripheral neuropathy. Also called: Neuropathy. Identifiers: MedGen C0031117, MONDO:0005244, HP:0009830.
FLRT1-related disorder. Also called: FLRT1-related condition.

Allele frequency attached by ClinVar (database versions not stated): gnomAD exomes 0.00033; ExAC 0.00037; ESP Exome Variant Server 0.00062; gnomAD 0.00090 and 0.00094; TOPMed 0.00097; 1000 Genomes Project 30x 0.00109; 1000 Genomes Project 0.00120.
gnomAD v4.1: 637 of 1,610,868 alleles (0.04%); highest among the groups gnomAD compares: African/African-American, 0.32%; no homozygotes.

Submissions (3):

Labcorp Genetics (formerly Invitae), Labcorp
Classification: Likely benign for Peripheral neuropathy. Last evaluated: 2022-08-16. Review status: criteria provided, single submitter. Criteria: Invitae Variant Classification Sherloc (09022015). Collection method: clinical testing. Allele origin: germline.

CeGaT Center for Human Genetics Tuebingen
Classification: Uncertain significance. Last evaluated: 2016-06-01. Review status: criteria provided, single submitter. Criteria: CeGaT Center For Human Genetics Tuebingen Variant Classification Criteria Version 2. Collection method: clinical testing. Allele origin: germline. Affected: yes. Observed: 1 variant allele.

PreventionGenetics, part of Exact Sciences
Classification: Likely benign for FLRT1-related condition. Last evaluated: 2023-02-26. Review status: no assertion criteria provided. Collection method: clinical testing. Allele origin: germline. Not counted in ClinVar's aggregate classification.
Comment: This variant is classified as likely benign based on ACMG/AMP sequence variant interpretation guidelines (Richards et al. 2015 PMID: 25741868, with internal and published modifications).